The following is an entry in ClinVar:

ClinVar aggregate classification (germline): Pathogenic (1 of 4 stars; one submission).

Allele frequency attached by ClinVar (database versions not stated): gnomAD exomes below 0.00001.
gnomAD v4.1: 2 of 1,614,106 alleles (0.00012%); highest among the groups gnomAD compares: Non-Finnish European, 0.00017%; no homozygotes.

Submission:

Labcorp Genetics (formerly Invitae), Labcorp
Classification: Pathogenic. Last evaluated: 2022-03-10. Review status: criteria provided, single submitter. Criteria: Invitae Variant Classification Sherloc (09022015). Collection method: clinical testing. Allele origin: germline.
Comment: This sequence change creates a premature translational stop signal (p.Gln170*) in the AGBL5 gene. It is expected to result in an absent or disrupted protein product. Loss-of-function variants in AGBL5 are known to be pathogenic (PMID: 27764769, 27842159). This variant is not present in population databases (gnomAD no frequency). This variant has not been reported in the literature in individuals affected with AGBL5-related conditions. ClinVar contains an entry for this variant (Variation ID: 1076684). For these reasons, this variant has been classified as Pathogenic.

Literature cited by the submitters: PubMed 27764769; PubMed 27842159.

NM_021831.6(AGBL5):c.508C>T (p.Gln170Ter)

Gene: AGBL5 (AGBL carboxypeptidase 5; plus strand). Cytogenetic location: 2p23.3.
Variant type: single nucleotide variant.
Coding change: c.508C>T on transcript NM_021831.6 (MANE Select); coding-DNA position 508, C replaced by T.
Protein change: p.Gln170Ter; replaces glutamine 170 with a stop codon.
Molecular consequence: nonsense. On other transcripts: non-coding transcript variant (2).
Genome position (GRCh38, 1-based): chr2:27,054,016, C>T. VCF-style: chr2-27054016-C-T. GRCh37 (hg19) VCF-style: chr2-27276884-C-T.
Other names: c.508C>T, p.Gln170Ter (NM_001035507.3); short protein forms Q170*.
Identifiers: ClinVar variation 1076684 (VCV001076684.7), dbSNP rs1668306278, ClinGen allele CA346171862.
Genomic context (GRCh38, chr2:27,054,016, plus strand): 5'-ACCACCTTCTTCGCCTTCTGCTACCCCTTCTCCTACAGTGACTGCCAGGAACTGCTAAAC[C>T]AGCTAGACCAGCGCTTTCCGGAGAACCACCCTACCCATAGCAGGTGCCAGCCCCATTCTT-3'